The following is an entry in ClinVar:

ClinVar aggregate classification (germline): Uncertain significance. Review status: criteria provided, multiple submitters, no conflicts (2 of 4 stars). 2 submissions from 2 submitters: Uncertain significance (2). Last evaluated 2026-01-25.

Conditions:
Hereditary cancer-predisposing syndrome. Also called: Neoplastic Syndromes, Hereditary; Hereditary Cancer Syndrome; Tumor predisposition; Hereditary neoplastic syndrome. Identifiers: Orphanet 140162, MedGen C0027672, MeSH D009386, MONDO:0015356.
EGFR-related lung cancer (EGFR). Identifiers: MedGen CN130014.

Allele frequency attached by ClinVar (database versions not stated): gnomAD exomes below 0.00001; TOPMed 0.00001.
gnomAD v4.1: 2 of 1,612,128 alleles (0.00012%); highest among the groups gnomAD compares: Non-Finnish European, 0.00017%; no homozygotes.

Submissions (2):

Labcorp Genetics (formerly Invitae), Labcorp
Classification: Uncertain significance for EGFR-related lung cancer. Last evaluated: 2026-01-25. Review status: criteria provided, single submitter. Criteria: Invitae Variant Classification Sherloc (09022015). Collection method: clinical testing. Allele origin: germline.
Comment: This sequence change replaces aspartic acid, which is acidic and polar, with glycine, which is neutral and non-polar, at codon 1063 of the EGFR protein (p.Asp1063Gly). This variant is present in population databases (no rsID available, gnomAD 0.0009%). This variant has not been reported in the literature in individuals affected with EGFR-related conditions. ClinVar contains an entry for this variant (Variation ID: 942946). An algorithm developed to predict the effect of missense changes on protein structure and function (PolyPhen-2) suggests that this variant is likely to be tolerated. In summary, the available evidence is currently insufficient to determine the role of this variant in disease. Therefore, it has been classified as a Variant of Uncertain Significance.

Ambry Genetics
Classification: Uncertain significance for Hereditary cancer-predisposing syndrome. Last evaluated: 2025-02-02. Review status: criteria provided, single submitter. Criteria: Ambry Variant Classification Scheme 2023. Collection method: clinical testing. Allele origin: germline.
Comment: The p.D1063G variant (also known as c.3188A>G), located in coding exon 27 of the EGFR gene, results from an A to G substitution at nucleotide position 3188. The aspartic acid at codon 1063 is replaced by glycine, an amino acid with similar properties. This amino acid position is conserved. In addition, this alteration is predicted to be tolerated by in silico analysis. Based on the available evidence, the clinical significance of this variant remains unclear.

NM_005228.5(EGFR):c.3188A>G (p.Asp1063Gly)

Gene: EGFR (epidermal growth factor receptor; plus strand). Cytogenetic location: 7p11.2.
Variant type: single nucleotide variant.
Coding change: c.3188A>G on transcript NM_005228.5 (MANE Select); coding-DNA position 3188, A replaced by G.
Protein change: p.Asp1063Gly; replaces aspartic acid 1063 with glycine.
Molecular consequence: missense variant.
Genome position (GRCh38, 1-based): chr7:55,202,542, A>G. VCF-style: chr7-55202542-A-G. GRCh37 (hg19) VCF-style: chr7-55270235-A-G.
Other names: c.3053A>G, p.Asp1018Gly (NM_001346897.2, NM_001346899.2); c.3188A>G, p.Asp1063Gly (NM_001346898.2); c.3029A>G, p.Asp1010Gly (NM_001346900.2); c.2387A>G, p.Asp796Gly (NM_001346941.2); short protein forms D1010G, D1063G, D1018G, D796G.
Identifiers: ClinVar variation 942946 (VCV000942946.10), dbSNP rs1224584642, ClinGen allele CA367583241.